The following is an entry in ClinVar:

ClinVar aggregate classification (germline): Likely benign (0 of 4 stars; one submission).

Conditions:
TRPM7-related disorder. Also called: TRPM7-related condition.

Submission:

PreventionGenetics, part of Exact Sciences
Classification: Likely benign for TRPM7-related condition. Last evaluated: 2020-12-21. Review status: no assertion criteria provided. Collection method: clinical testing. Allele origin: germline.
Comment: This variant is classified as likely benign based on ACMG/AMP sequence variant interpretation guidelines (Richards et al. 2015 PMID: 25741868, with internal and published modifications).

NM_017672.6(TRPM7):c.84-3_84-2dup

Genes: TRPM7 (transient receptor potential cation channel subfamily M member 7; minus strand), LOC128092252 (uncharacterized LOC128092252; minus strand). Cytogenetic location: 15q21.2.
Variant type: Duplication.
Coding change: c.84-3_84-2dup on transcript NM_017672.6 (MANE Select); 3 bases into the intron before coding-DNA position 84 through the canonical splice acceptor site of the intron before coding-DNA position 84, 2 bases duplicated (TA; older notation c.84-3_84-2dupTA).
Molecular consequence: splice acceptor variant.
Genome position (GRCh38, 1-based): chr15:50,657,821-50,657,822, TA duplicated on the plus strand (TA on the coding strand, the reverse complement: TRPM7 is on the minus strand); duplicating any 2 consecutive bases within chr15:50,657,821-50,657,823 gives the same sequence; the c. name uses the placement nearest the transcript's 3' end. VCF-style (leftmost placement, unchanged base first): chr15-50657820-C-CTA. GRCh37 (hg19) VCF-style: chr15-50950017-C-CTA.
Other names: c.84-3_84-2dup (NM_001301212.2); c.268-3_268-2dup (NM_001414947.1).
Identifiers: ClinVar variation 3031483 (VCV003031483.2), dbSNP rs758181126, ClinGen allele CA7558093.
Genomic context (GRCh38, chr15:50,657,820, plus strand): 5'-GTATAGTTATGTTAAACTTACCTGACGAGTTGCTGACAAATTTGACATCCTGGAAGGCAT[C>CTA]TATTGAACACAAAAAGGTAAATAAATTATTTCAGGTGAAAAACTTTCTGATTTTAAAGTA-3'